The following is an entry in ClinVar:

NM_001384732.1(CPLANE1):c.3447A>G (p.Pro1149=)

Gene: CPLANE1 (ciliogenesis and planar polarity effector complex subunit 1; minus strand). Cytogenetic location: 5p13.2.
Variant type: single nucleotide variant.
Coding change: c.3447A>G on transcript NM_001384732.1 (MANE Select); coding-DNA position 3447, A replaced by G.
Protein change: p.Pro1149=; no amino-acid change (proline 1149 retained).
Molecular consequence: synonymous variant.
Genome position (GRCh38, 1-based): chr5:37,201,651, T>C on the plus strand (A>G on the coding strand, the complement: CPLANE1 is on the minus strand). VCF-style: chr5-37201651-T-C. GRCh37 (hg19) VCF-style: chr5-37201753-T-C.
Other names: c.3447A>G, p.Pro1149= (NM_023073.4).
Identifiers: ClinVar variation 261670 (VCV000261670.39), dbSNP rs141425550, ClinGen allele CA3238947.
Genomic context (GRCh38, chr5:37,201,651, plus strand): 5'-TTCACTAAGAATAGCTGGCTGGGGACAGTACAATGGAGGAGCTGGAAGATACAAGCCGAA[T>C]GGCACTAAGCCCCACAGTCTTTTACTGAAGTCCTTGGCAGAGTCTATCAGAAGTTGAAAT-3'
Protein context (NP_001371661.1, residues 1139-1159): DFSKRLWGLV[Pro1149=]FGLYLPAPPL

ClinVar aggregate classification (germline): Conflicting classifications of pathogenicity. Review status: criteria provided, conflicting classifications (1 of 4 stars). 5 submissions from 5 submitters: Uncertain significance (1); Likely benign (4). Last evaluated 2025-12-23.

Conditions:
Joubert syndrome 17 (JBTS17). Identifiers: Orphanet 475, MedGen C3553264, MONDO:0013824, OMIM 614615.

Allele frequency attached by ClinVar (database versions not stated): ESP Exome Variant Server 0.00008; gnomAD exomes 0.00017; TOPMed 0.00019; ExAC 0.00021; gnomAD 0.00023 and 0.00024.
gnomAD v4.1: 308 of 1,614,200 alleles (0.019%); highest among the groups gnomAD compares: Middle Eastern, 0.15%; no homozygotes.

Submissions (5):

Labcorp Genetics (formerly Invitae), Labcorp
Classification: Likely benign. Last evaluated: 2025-12-23. Review status: criteria provided, single submitter. Criteria: Invitae Variant Classification Sherloc (09022015). Collection method: clinical testing. Allele origin: germline.

Blueprint Genetics
Classification: Likely benign. Last evaluated: 2024-06-05. Review status: criteria provided, single submitter. Criteria: ACMG Guidelines, 2015. Collection method: clinical testing. Allele origin: germline.

CeGaT Center for Human Genetics Tuebingen
Classification: Likely benign. Last evaluated: 2023-01-01. Review status: criteria provided, single submitter. Criteria: CeGaT Center For Human Genetics Tuebingen Variant Classification Criteria Version 2. Collection method: clinical testing. Allele origin: germline. Affected: yes. Observed: 1 variant allele.
Comment: CPLANE1: BP4, BP7

Illumina Laboratory Services, Illumina
Classification: Uncertain significance for Joubert syndrome 17. Last evaluated: 2018-01-13. Review status: criteria provided, single submitter. Criteria: ICSL Variant Classification Criteria 13 December 2019. Collection method: clinical testing. Allele origin: germline.

PreventionGenetics, part of Exact Sciences
Classification: Likely benign. Review status: criteria provided, single submitter. Criteria: ACMG Guidelines, 2015. Collection method: clinical testing. Allele origin: germline.